The following is an entry in ClinVar:

ClinVar aggregate classification (germline): Uncertain significance (1 of 4 stars; one submission).

Submission:

GeneDx
Classification: Uncertain significance. Last evaluated: 2023-12-05. Review status: criteria provided, single submitter. Criteria: GeneDx Variant Classification Process June 2021. Collection method: clinical testing. Allele origin: germline. Affected: yes.
Comment: Not observed at significant frequency in large population cohorts (gnomAD); In silico analysis supports that this missense variant has a deleterious effect on protein structure/function; Has not been previously published as pathogenic or benign to our knowledge

NM_000047.3(ARSL):c.302G>A (p.Arg101Gln)

Gene: ARSL (arylsulfatase L; minus strand). Cytogenetic location: Xp22.33.
Variant type: single nucleotide variant.
Coding change: c.302G>A on transcript NM_000047.3 (MANE Select); coding-DNA position 302, G replaced by A.
Protein change: p.Arg101Gln; replaces arginine 101 with glutamine.
Molecular consequence: missense variant.
Genome position (GRCh38, 1-based): chrX:2,955,421, C>T on the plus strand (G>A on the coding strand, the complement: ARSL is on the minus strand). VCF-style: chrX-2955421-C-T. GRCh37 (hg19) VCF-style: chrX-2873462-C-T.
Other names: c.377G>A, p.Arg126Gln (NM_001282628.2, NM_001369080.1); c.140G>A, p.Arg47Gln (NM_001282631.2); c.329G>A, p.Arg110Gln (NM_001369079.1); short protein forms R101Q, R110Q, R126Q, R47Q.
Identifiers: ClinVar variation 3365335 (VCV003365335.1).